The following is an entry in ClinVar:

ClinVar aggregate classification (germline): Uncertain significance (1 of 4 stars; one submission).

Allele frequency attached by ClinVar (database versions not stated): ExAC 0.00001; gnomAD exomes 0.00001.
gnomAD v4.1: 3 of 1,613,856 alleles (0.00019%); highest among the groups gnomAD compares: South Asian, 0.0011%; no homozygotes.

Submission:

Labcorp Genetics (formerly Invitae), Labcorp
Classification: Uncertain significance. Last evaluated: 2022-04-30. Review status: criteria provided, single submitter. Criteria: Invitae Variant Classification Sherloc (09022015). Collection method: clinical testing. Allele origin: germline.
Comment: In summary, the available evidence is currently insufficient to determine the role of this variant in disease. Therefore, it has been classified as a Variant of Uncertain Significance. Algorithms developed to predict the effect of missense changes on protein structure and function (SIFT, PolyPhen-2, Align-GVGD) all suggest that this variant is likely to be disruptive. This variant has not been reported in the literature in individuals affected with HMCN1-related conditions. This variant is present in population databases (rs751715888, gnomAD 0.003%). This sequence change replaces alanine, which is neutral and non-polar, with serine, which is neutral and polar, at codon 2850 of the HMCN1 protein (p.Ala2850Ser).

NM_031935.3(HMCN1):c.8548G>T (p.Ala2850Ser)

Gene: HMCN1 (hemicentin 1; plus strand). Cytogenetic location: 1q31.1.
Variant type: single nucleotide variant.
Coding change: c.8548G>T on transcript NM_031935.3 (MANE Select); coding-DNA position 8548, G replaced by T.
Protein change: p.Ala2850Ser; replaces alanine 2850 with serine.
Molecular consequence: missense variant.
Genome position (GRCh38, 1-based): chr1:186,078,169, G>T. VCF-style: chr1-186078169-G-T. GRCh37 (hg19) VCF-style: chr1-186047301-G-T.
Other names: short protein forms A2850S.
Identifiers: ClinVar variation 2092085 (VCV002092085.4), dbSNP rs751715888, ClinGen allele CA1293159.